The following is an entry in ClinVar:

ClinVar aggregate classification (germline): Conflicting classifications of pathogenicity. Review status: criteria provided, conflicting classifications (1 of 4 stars). 5 submissions from 5 submitters: Uncertain significance (3); Likely benign (1). 1 of the submissions does not count toward it. Last evaluated 2026-01-25.

Conditions:
Autosomal recessive limb-girdle muscular dystrophy type 2A (LGMDR1). Also called: LEYDEN-MOEBIUS MUSCULAR DYSTROPHY; MUSCULAR DYSTROPHY, PELVOFEMORAL; Limb-girdle muscular dystrophy, type 2A; Muscular dystrophy, limb-girdle, type 2A, Amish; Calpainopathy. Identifiers: Orphanet 267, MedGen C1869123, MONDO:0009675, OMIM 253600. Disease mechanism: loss of function.

Allele frequency attached by ClinVar (database versions not stated): gnomAD exomes 0.00007 and 0.00025; gnomAD 0.00009 and 0.00015; TOPMed 0.00011; ExAC 0.00015; 1000 Genomes Project 0.00100; 1000 Genomes Project 30x 0.00109.
gnomAD v4.1: 124 of 1,613,392 alleles (0.0077%); highest among the groups gnomAD compares: East Asian, 0.26%; no homozygotes.

Submissions (5):

Labcorp Genetics (formerly Invitae), Labcorp
Classification: Likely benign for Autosomal recessive limb-girdle muscular dystrophy type 2A. Last evaluated: 2026-01-25. Review status: criteria provided, single submitter. Criteria: Invitae Variant Classification Sherloc (09022015). Collection method: clinical testing. Allele origin: germline.

GeneDx
Classification: Uncertain significance. Last evaluated: 2023-12-01. Review status: criteria provided, single submitter. Criteria: GeneDx Variant Classification Process June 2021. Collection method: clinical testing. Allele origin: germline. Affected: yes.
Comment: In silico analysis supports that this missense variant has a deleterious effect on protein structure/function; Has not been previously published as pathogenic or benign to our knowledge

Revvity Omics, Revvity
Classification: Uncertain significance. Last evaluated: 2020-07-20. Review status: criteria provided, single submitter. Criteria: ACMG Guidelines, 2015. Collection method: clinical testing. Allele origin: germline.

Illumina Laboratory Services, Illumina
Classification: Uncertain significance for Limb-girdle muscular dystrophy, type 2A. Last evaluated: 2018-01-13. Review status: criteria provided, single submitter. Criteria: ICSL Variant Classification Criteria 13 December 2019. Collection method: clinical testing. Allele origin: germline.

Natera, Inc.
Classification: Likely benign for Limb-girdle muscular dystrophy type 2A. Last evaluated: 2020-04-17. Review status: no assertion criteria provided. Collection method: clinical testing. Allele origin: germline. Not counted in ClinVar's aggregate classification.

NM_000070.3(CAPN3):c.2269C>T (p.His757Tyr)

Gene: CAPN3 (calpain 3; plus strand). Cytogenetic location: 15q15.1.
Variant type: single nucleotide variant.
Coding change: c.2269C>T on transcript NM_000070.3 (MANE Select); coding-DNA position 2269, C replaced by T.
Protein change: p.His757Tyr; replaces histidine 757 with tyrosine.
Molecular consequence: missense variant.
Genome position (GRCh38, 1-based): chr15:42,410,889, C>T. VCF-style: chr15-42410889-C-T. GRCh37 (hg19) VCF-style: chr15-42703087-C-T.
Other names: c.2251C>T, p.His751Tyr (NM_024344.2); c.1993C>T, p.His665Tyr (NM_173087.2); c.733C>T, p.His245Tyr (NM_173088.2); c.274C>T, p.His92Tyr (NM_173089.2, NM_173090.2); short protein forms H757Y, H665Y, H92Y, H245Y, H751Y.
Identifiers: ClinVar variation 315898 (VCV000315898.21), dbSNP rs148246325, ClinGen allele CA7511815.
Genomic context (GRCh38, chr15:42,410,889, plus strand): 5'-GGCAGGCCCAAGGCCTCCAGCTCCACGTCCACCTCTAACATGGTCCCCTCCACAGGATTC[C>T]ACCTCAACAACCAGCTCTATGACATCATTACCATGCGGTACGCAGACAAACACATGAACA-3'
Protein context (NP_000061.1, residues 747-767): MRNAVNDAGF[His757Tyr]LNNQLYDIIT